The following is an entry in ClinVar:

ClinVar aggregate classification (germline): Uncertain significance. Review status: criteria provided, multiple submitters, no conflicts (2 of 4 stars). 2 submissions from 2 submitters: Uncertain significance (2). Last evaluated 2025-01-23.

Conditions:
Hereditary cancer-predisposing syndrome. Also called: Neoplastic Syndromes, Hereditary; Hereditary Cancer Syndrome; Tumor predisposition; Hereditary neoplastic syndrome. Identifiers: Orphanet 140162, MedGen C0027672, MeSH D009386, MONDO:0015356.
Oligodontia-cancer predisposition syndrome. Also called: TOOTH AGENESIS-COLORECTAL CANCER SYNDROME. Identifiers: Orphanet 300576, MedGen C1837750, MONDO:0012075, OMIM 608615. Disease mechanism: loss of function.

Submissions (2):

Ambry Genetics
Classification: Uncertain significance for Hereditary cancer-predisposing syndrome. Last evaluated: 2025-01-23. Review status: criteria provided, single submitter. Criteria: Ambry Variant Classification Scheme 2023. Collection method: clinical testing. Allele origin: germline.
Comment: The p.N725K variant (also known as c.2175T>G), located in coding exon 8 of the AXIN2 gene, results from a T to G substitution at nucleotide position 2175. The asparagine at codon 725 is replaced by lysine, an amino acid with similar properties. This amino acid position is not well conserved in available vertebrate species. In addition, this alteration is predicted to be tolerated by in silico analysis. Since supporting evidence is limited at this time, the clinical significance of this alteration remains unclear.

Labcorp Genetics (formerly Invitae), Labcorp
Classification: Uncertain significance for Oligodontia-cancer predisposition syndrome. Last evaluated: 2023-11-28. Review status: criteria provided, single submitter. Criteria: Invitae Variant Classification Sherloc (09022015). Collection method: clinical testing. Allele origin: germline.
Comment: This sequence change replaces asparagine, which is neutral and polar, with lysine, which is basic and polar, at codon 725 of the AXIN2 protein (p.Asn725Lys). This variant is not present in population databases (gnomAD no frequency). This variant has not been reported in the literature in individuals affected with AXIN2-related conditions. ClinVar contains an entry for this variant (Variation ID: 573643). An algorithm developed to predict the effect of missense changes on protein structure and function (PolyPhen-2) suggests that this variant is likely to be tolerated. In summary, the available evidence is currently insufficient to determine the role of this variant in disease. Therefore, it has been classified as a Variant of Uncertain Significance.

NM_004655.4(AXIN2):c.2175T>G (p.Asn725Lys)

Gene: AXIN2 (axin 2; minus strand). Cytogenetic location: 17q24.1.
Variant type: single nucleotide variant.
Coding change: c.2175T>G on transcript NM_004655.4 (MANE Select); coding-DNA position 2175, T replaced by G.
Protein change: p.Asn725Lys; replaces asparagine 725 with lysine.
Molecular consequence: missense variant.
Genome position (GRCh38, 1-based): chr17:65,535,688, A>C on the plus strand (T>G on the coding strand, the complement: AXIN2 is on the minus strand). VCF-style: chr17-65535688-A-C. GRCh37 (hg19) VCF-style: chr17-63531806-A-C.
Other names: c.2175T>G (LRG_296t1); c.1980T>G, p.Asn660Lys (NM_001363813.1); short protein forms N725K, N660K.
Identifiers: ClinVar variation 573643 (VCV000573643.16), dbSNP rs1567753492, ClinGen allele CA400675812.
Genomic context (GRCh38, chr17:65,535,688, plus strand): 5'-TTCTGGAGCCAGGCTTGGATTGGAGAAGGGTGTGGCTCCCGTCTGAACAGTGGCCGAATG[A>C]TTCCTGTCCCTCTGCTGACTGGCCACACAGCACCTGAGGACACAGCCAGGGCGAGGGATT-3'
Protein context (NP_004646.3, residues 715-735): CCVASQQRDR[Asn725Lys]HSATVQTGAT